The following is an entry in ClinVar:

NM_004614.5(TK2):c.36_40dup (p.Leu14fs)

Genes: TK2 (thymidine kinase 2; minus strand), LOC130059156 (ATAC-STARR-seq lymphoblastoid silent region 7560; plus strand). Cytogenetic location: 16q21.
Variant type: Duplication.
Coding change: c.36_40dup on transcript NM_004614.5 (MANE Select); coding-DNA positions 36 to 40, 5 bases duplicated (GGCGC; older notation c.36_40dupGGCGC).
Protein change: p.Leu14fs; shifts the reading frame from leucine 14.
Molecular consequence: frameshift variant. On other transcripts: 5 prime UTR variant (2), non-coding transcript variant (1), intron variant (2).
Genome position (GRCh38, 1-based): chr16:66,550,022-66,550,026, GCGCC duplicated on the plus strand (GGCGC on the coding strand, the reverse complement: TK2 is on the minus strand). VCF-style (leftmost placement, unchanged base first): chr16-66550021-A-AGCGCC. GRCh37 (hg19) VCF-style: chr16-66583924-A-AGCGCC.
Other names: c.36_40dup, p.Leu14fs (NM_001172644.2, NM_001172645.2); c.-207_-203dup (NM_001271934.2); c.-617_-613dup (NM_001272050.2); c.31+227_31+231dup (NM_001271935.1, NM_001172643.1); c.40_41insGGCGC (NM_004614.4); short protein forms L14fs.
Identifiers: ClinVar variation 3778850 (VCV003778850.3).

ClinVar aggregate classification (germline): Pathogenic/Likely pathogenic. Review status: criteria provided, multiple submitters, no conflicts (2 of 4 stars). 2 submissions from 2 submitters: Pathogenic (1); Likely pathogenic (1). Last evaluated 2025-11-24.

Conditions:
Mitochondrial disease. Also called: Mitochondrial disorders; Mitochondrial disorder. Identifiers: Orphanet 68380, MedGen C0751651, MeSH D028361, MONDO:0044970.
Mitochondrial DNA depletion syndrome, myopathic form (MTDPS2). Also called: MITOCHONDRIAL DNA DEPLETION SYNDROME 2 (MYOPATHIC TYPE); MITOCHONDRIAL DNA DEPLETION MYOPATHY, TK2-RELATED; TK2-Related Mitochondrial DNA Maintenance Defect, Myopathic Form. Identifiers: Orphanet 254875, MedGen C3149750, MONDO:0012301, OMIM 609560.

Submissions (2):

Genomenon, Inc
Classification: Pathogenic for Mitochondrial disease. Last evaluated: 2025-11-24. Review status: criteria provided, single submitter. Criteria: Genomenon Sequence Variant Interpretation Standards - Updated. Collection method: curation. Allele origin: germline. Affected: yes.
Comment: TK2 p.Leu14ArgfsTer41 (c.36_40dup) is a frameshift variant that results in the production of a truncated protein. It is also described as c.40_41insGGCGC in the literature. This variant has been observed in at least one proband affected with mitochondrial disease in the compound heterozygous state (35907766, 35286480). This variant is not present at a significant frequency in gnomAD. In conclusion, we classify TK2 p.Leu14ArgfsTer41 (c.36_40dup) as a pathogenic variant.

Clinical Genetics Service, Universitary Hospital 12 de Octubre
Classification: Likely pathogenic for Mitochondrial DNA depletion syndrome, myopathic form. Review status: criteria provided, single submitter. Criteria: ACMG Guidelines, 2015. Collection method: clinical testing. Allele origin: germline. Affected: yes.

Literature cited by the submitters: PubMed 35907766 (cited by Genomenon, Inc); PubMed 35286480 (cited by Genomenon, Inc).